The following continues an entry in ClinVar:

NM_007294.4(BRCA1):c.591C>T (p.Cys197=)

Gene: BRCA1. ClinVar aggregate classification (germline): Benign. Benign (1).

Submissions 20 to 37 of 37:

Ambry Genetics
Classification: Benign for Hereditary cancer-predisposing syndrome. Last evaluated: 2014-11-18. Review status: criteria provided, single submitter. Criteria: Ambry Variant Classification Scheme 2023. Collection method: clinical testing. Allele origin: germline. Not counted in ClinVar's aggregate classification.

Molecular Genetics Laboratory, University of Michigan
Classification: Benign for Breast-ovarian cancer, familial, susceptibility to, 1. Last evaluated: 2014-11-03. Review status: criteria provided, single submitter. Criteria: ACMG Guidelines, 2015. Collection method: clinical testing. Allele origin: germline. Affected: yes. Not counted in ClinVar's aggregate classification.

GeneDx
Classification: Benign. Last evaluated: 2013-11-01. Review status: criteria provided, single submitter. Criteria: GeneDx Variant Classification (06012015). Collection method: clinical testing. Allele origin: germline. Affected: yes. Not counted in ClinVar's aggregate classification.
Comment: This variant is considered likely benign or benign based on one or more of the following criteria: it is a conservative change, it occurs at a poorly conserved position in the protein, it is predicted to be benign by multiple in silico algorithms, and/or has population frequency not consistent with disease.

PreventionGenetics, part of Exact Sciences
Classification: Benign for BRCA1-related condition. Last evaluated: 2024-08-19. Review status: no assertion criteria provided. Collection method: clinical testing. Allele origin: germline. Not counted in ClinVar's aggregate classification.
Comment: This variant is classified as benign based on ACMG/AMP sequence variant interpretation guidelines (Richards et al. 2015 PMID: 25741868, with internal and published modifications).

True Health Diagnostics
Classification: Likely benign for Hereditary cancer-predisposing syndrome. Last evaluated: 2017-07-26. Review status: no assertion criteria provided. Collection method: clinical testing. Allele origin: germline. Not counted in ClinVar's aggregate classification.

Mayo Clinic Laboratories, Mayo Clinic
Classification: Likely benign. Last evaluated: 2017-05-31. Review status: no assertion criteria provided. Collection method: clinical testing. Allele origin: unknown. Not counted in ClinVar's aggregate classification.

Counsyl
Classification: Likely benign for Breast-ovarian cancer, familial 1. Last evaluated: 2014-03-17. Review status: no assertion criteria provided. Collection method: literature only. Allele origin: unknown. Inheritance: Autosomal dominant inheritance. Not counted in ClinVar's aggregate classification.

Research Molecular Genetics Laboratory, Women's College Hospital, University of Toronto
Classification: Benign. Last evaluated: 2014-01-31. Review status: no assertion criteria provided. Collection method: research. Allele origin: germline. Affected: yes. Study: The Canadian Open Genetics Repository (COGR). Not counted in ClinVar's aggregate classification.

Foulkes Cancer Genetics LDI, Lady Davis Institute for Medical Research
Classification: Benign for Breast and/or ovarian cancer. Last evaluated: 2012-06-08. Review status: no assertion criteria provided. Collection method: clinical testing. Allele origin: germline. Study: The Canadian Open Genetics Repository (COGR). Not counted in ClinVar's aggregate classification.

Sharing Clinical Reports Project (SCRP)
Classification: Benign for Breast-ovarian cancer, familial 1. Last evaluated: 2011-03-15. Review status: no assertion criteria provided. Collection method: clinical testing. Allele origin: germline. Not counted in ClinVar's aggregate classification.

Breast Cancer Information Core (BIC) (BRCA1)
No classification provided. Condition: Breast-ovarian cancer, familial 1. Review status: no classification provided. Collection method: clinical testing. Allele origin: germline. Affected: yes. Observed: 34 variant alleles. Not counted in ClinVar's aggregate classification.

Clinical Genetics DNA and cytogenetics Diagnostics Lab, Erasmus MC, Erasmus Medical Center
Classification: Benign. Review status: no assertion criteria provided. Collection method: clinical testing. Allele origin: germline. Affected: yes. Study: VKGL Data-share Consensus. Not counted in ClinVar's aggregate classification.

Clinical Genetics Laboratory, Department of Pathology, Netherlands Cancer Institute
Classification: Benign. Review status: no assertion criteria provided. Collection method: clinical testing. Allele origin: germline. Affected: yes. Study: VKGL Data-share Consensus. Not counted in ClinVar's aggregate classification.

Department of Pathology and Laboratory Medicine, Sinai Health System
Classification: Benign for Malignant tumor of breast. Review status: no assertion criteria provided. Collection method: clinical testing. Allele origin: unknown. Affected: yes. Study: The Canadian Open Genetics Repository (COGR). Not counted in ClinVar's aggregate classification.
Comment: The p.Cys197Cys variant is not expected to have clinical significance because it does not alter an amino acid residue and is not located near a splice junction. It has been previously identified by our laboratory and has been reported as a benign variant. It has also been reported in the literature in 35 out of 5616 proband chromosomes of individuals from families with hereditary breast and ovarian cancers, and was classified as a variant of benign significance or as a polymorphism; it was also found in 6 out of 1964 control chromosomes (Bergthorsson_2001_11389159, Diez_2003_12955716, Dosil_2010_19892845, Ladopoulou_2002_10980541, McKean-Cowdin_2005_15726418, Stegel_2011_21232165, Takahashi_1995_7606717). In addition, this variant is listed in the UMD mutation database as a neutral variant and observed to co-occur with other BRCA1 pathogenic mutations: c.4327C>T (p.Arg1443X), c.5123C>A (p.Ala1708Glu), c.68_69delAG (p.Glu23ValfsX17), c.IVS6-1G>A (c.302-1G>A), increasing the likelihood that the p.Cys179Cysvariant does not have any clinical significance. This variant is listed in the dbSNP database as coming from a "clinical source" (ID#:rs1799965) but no frequency information was provided, and so the prevalence of this variant in the population is not known. In addition, Myriad classifies this variant as a polymorphism (personal communication). In summary, based on the above information, the p.Cys197Cys variant is classified as benign.

Diagnostic Laboratory, Department of Genetics, University Medical Center Groningen
Classification: Benign for Breast-ovarian cancer, familial, susceptibility to, 1. Review status: no assertion criteria provided. Collection method: clinical testing. Allele origin: germline. Affected: yes. Study: VKGL Data-share Consensus. Not counted in ClinVar's aggregate classification.

Genome Diagnostics Laboratory, University Medical Center Utrecht
Classification: Benign. Review status: no assertion criteria provided. Collection method: clinical testing. Allele origin: germline. Affected: yes. Study: VKGL Data-share Consensus. Not counted in ClinVar's aggregate classification.

Joint Genome Diagnostic Labs from Nijmegen and Maastricht, Radboudumc and MUMC+
Classification: Benign. Review status: no assertion criteria provided. Collection method: clinical testing. Allele origin: germline. Affected: yes. Study: VKGL Data-share Consensus. Not counted in ClinVar's aggregate classification.

Laboratory of Diagnostic Genome Analysis, Leiden University Medical Center (LUMC)
Classification: Benign. Review status: no assertion criteria provided. Collection method: clinical testing. Allele origin: germline. Affected: yes. Study: VKGL Data-share Consensus. Not counted in ClinVar's aggregate classification.

Literature cited by the submitters: DOI 10.3389/fgene.2022.834265 (cited by National Health Laboratory Service, Universitas Academic Hospital and University of the Free State); PubMed 36329109 (cited by Genetics Program, Instituto Nacional de Cancer); PubMed 15726418 (cited by Illumina Laboratory Services, Illumina and Counsyl); PubMed 19892845 (cited by Illumina Laboratory Services, Illumina and Counsyl); PubMed 8776600 (cited by Counsyl); PubMed 22874498 (cited by Counsyl); PubMed 12955716 (cited by Counsyl); Ladopolou-et-al.,-Cancer-Lett,-185:61,-2002 (cited by Breast Cancer Information Core (BIC) (BRCA1)).